The following is an entry in ClinVar:

ClinVar aggregate classification (germline): Uncertain significance (1 of 4 stars; one submission).

Conditions:
Kabuki syndrome. Also called: Kabuki make-up syndrome; NIIKAWA-KUROKI SYNDROME. Identifiers: Orphanet 2322, MedGen C0796004, MONDO:0016512.

Submission:

Labcorp Genetics (formerly Invitae), Labcorp
Classification: Uncertain significance for Kabuki syndrome. Last evaluated: 2022-07-19. Review status: criteria provided, single submitter. Criteria: Invitae Variant Classification Sherloc (09022015). Collection method: clinical testing. Allele origin: germline.
Comment: In summary, the available evidence is currently insufficient to determine the role of this variant in disease. Therefore, it has been classified as a Variant of Uncertain Significance. Advanced modeling of protein sequence and biophysical properties (such as structural, functional, and spatial information, amino acid conservation, physicochemical variation, residue mobility, and thermodynamic stability) performed at Invitae indicates that this missense variant is not expected to disrupt KMT2D protein function. ClinVar contains an entry for this variant (Variation ID: 1522896). This variant has not been reported in the literature in individuals affected with KMT2D-related conditions. This variant is not present in population databases (gnomAD no frequency). This sequence change replaces tryptophan, which is neutral and slightly polar, with arginine, which is basic and polar, at codon 4730 of the KMT2D protein (p.Trp4730Arg).

NM_003482.4(KMT2D):c.14188T>C (p.Trp4730Arg)

Gene: KMT2D (lysine methyltransferase 2D; minus strand). Cytogenetic location: 12q13.12.
Variant type: single nucleotide variant.
Coding change: c.14188T>C on transcript NM_003482.4 (MANE Select); coding-DNA position 14188, T replaced by C.
Protein change: p.Trp4730Arg; replaces tryptophan 4730 with arginine.
Molecular consequence: missense variant.
Genome position (GRCh38, 1-based): chr12:49,029,124, A>G on the plus strand (T>C on the coding strand, the complement: KMT2D is on the minus strand). VCF-style: chr12-49029124-A-G. GRCh37 (hg19) VCF-style: chr12-49422907-A-G.
Other names: short protein forms W4730R.
Identifiers: ClinVar variation 1522896 (VCV001522896.8), dbSNP rs1942757257, ClinGen allele CA384697222.